The following is an entry in ClinVar:

ClinVar aggregate classification (germline): Pathogenic (1 of 4 stars; one submission).

Submission:

GeneDx
Classification: Pathogenic. Last evaluated: 2023-10-04. Review status: criteria provided, single submitter. Criteria: GeneDx Variant Classification Process June 2021. Collection method: clinical testing. Allele origin: germline. Affected: yes.
Comment: Affects a glycine residue in a Gly-X-Y motif in the triple helical region of the COL4A1 gene, where the majority of pathogenic missense variants occur, and is predicted to disrupt normal protein folding and function (HGMD; PMID: 22522439, 23225343); Not observed at significant frequency in large population cohorts (gnomAD); In silico analysis supports that this missense variant has a deleterious effect on protein structure/function; Has not been previously published as pathogenic or benign to our knowledge; This variant is associated with the following publications: (PMID: 22522439, 23225343)

NM_001845.6(COL4A1):c.2185G>A (p.Gly729Ser)

Gene: COL4A1 (collagen type IV alpha 1 chain; minus strand). Cytogenetic location: 13q34.
Variant type: single nucleotide variant.
Coding change: c.2185G>A on transcript NM_001845.6 (MANE Select); coding-DNA position 2185, G replaced by A.
Protein change: p.Gly729Ser; replaces glycine 729 with serine.
Molecular consequence: missense variant.
Genome position (GRCh38, 1-based): chr13:110,181,300, C>T on the plus strand (G>A on the coding strand, the complement: COL4A1 is on the minus strand). VCF-style: chr13-110181300-C-T. GRCh37 (hg19) VCF-style: chr13-110833647-C-T.
Other names: short protein forms G729S.
Identifiers: ClinVar variation 3252637 (VCV003252637.1), dbSNP rs1594555106.